The following is an entry in ClinVar:

NM_181458.4(PAX3):c.365A>G (p.Lys122Arg)

Gene: PAX3 (paired box 3; minus strand). Cytogenetic location: 2q36.1.
Variant type: single nucleotide variant.
Coding change: c.365A>G on transcript NM_181458.4 (MANE Select); coding-DNA position 365, A replaced by G.
Protein change: p.Lys122Arg; replaces lysine 122 with arginine.
Molecular consequence: missense variant.
Genome position (GRCh38, 1-based): chr2:222,295,614, T>C on the plus strand (A>G on the coding strand, the complement: PAX3 is on the minus strand). VCF-style: chr2-222295614-T-C. GRCh37 (hg19) VCF-style: chr2-223160333-T-C.
Other names: c.365A>G, p.Lys122Arg (NM_000438.6, NM_013942.5, NM_181457.4 and 3 more transcripts); c.362A>G, p.Lys121Arg (NM_001127366.3); short protein forms K121R, K122R.
Identifiers: ClinVar variation 5008962 (VCV005008962.1).

ClinVar aggregate classification (germline): Uncertain significance (1 of 4 stars; one submission).

Submission:

GeneDx
Classification: Uncertain significance. Last evaluated: 2026-03-12. Review status: criteria provided, single submitter. Criteria: GeneDx Variant Classification Process June 2021. Collection method: clinical testing. Allele origin: germline.
Comment: Not observed at significant frequency in large population cohorts (gnomAD); In silico analysis supports that this missense variant has a deleterious effect on protein structure/function; Has not been previously published as pathogenic or benign to our knowledge